The following is an entry in ClinVar:

ClinVar aggregate classification (germline): Benign/Likely benign. Review status: criteria provided, multiple submitters, no conflicts (2 of 4 stars). 6 submissions from 6 submitters: Benign (2); Likely benign (2). 2 of the submissions do not count toward it. Last evaluated 2026-01-06.

Conditions:
SH3BP2-related disorder. Also called: SH3BP2-related condition.
Fibrous dysplasia of jaw (CRBM). Also called: Cherubism. Identifiers: Orphanet 184, MedGen C0008029, MONDO:0007315, OMIM 118400.

Allele frequency attached by ClinVar (database versions not stated): ESP Exome Variant Server 0.00046; gnomAD 0.00026; TOPMed 0.00026; gnomAD exomes 0.00028 and 0.00038; ExAC 0.00037.
gnomAD v4.1: 460 of 1,612,872 alleles (0.029%); highest among the groups gnomAD compares: Middle Eastern, 0.049%; 1 homozygote.

Submissions (6):

Labcorp Genetics (formerly Invitae), Labcorp
Classification: Benign for Fibrous dysplasia of jaw. Last evaluated: 2026-01-06. Review status: criteria provided, single submitter. Criteria: Invitae Variant Classification Sherloc (09022015). Collection method: clinical testing. Allele origin: germline.

PreventionGenetics, part of Exact Sciences
Classification: Likely benign for SH3BP2-related condition. Last evaluated: 2025-03-14. Review status: criteria provided, single submitter. Criteria: ACMG Guidelines, 2015. Collection method: clinical testing. Allele origin: germline.
Comment: This variant is classified as likely benign based on ACMG/AMP sequence variant interpretation guidelines (Richards et al. 2015 PMID: 25741868, with internal and published modifications).

Blueprint Genetics
Classification: Likely benign. Last evaluated: 2024-11-21. Review status: criteria provided, single submitter. Criteria: ACMG Guidelines, 2015. Collection method: clinical testing. Allele origin: germline.

Breakthrough Genomics
Classification: Benign. Review status: criteria provided, single submitter. Criteria: ACMG Guidelines, 2015. Collection method: not provided. Allele origin: germline. Inheritance: Autosomal dominant inheritance. Affected: yes.

Clinical Genetics DNA and cytogenetics Diagnostics Lab, Erasmus MC, Erasmus Medical Center
Classification: Likely benign. Review status: no assertion criteria provided. Collection method: clinical testing. Allele origin: germline. Affected: yes. Study: VKGL Data-share Consensus. Not counted in ClinVar's aggregate classification.

Diagnostic Laboratory, Department of Genetics, University Medical Center Groningen
Classification: Likely benign. Review status: no assertion criteria provided. Collection method: clinical testing. Allele origin: germline. Affected: yes. Study: VKGL Data-share Consensus. Not counted in ClinVar's aggregate classification.

NM_001122681.2(SH3BP2):c.1366T>C (p.Ser456Pro)

Gene: SH3BP2 (SH3 domain binding protein 2; plus strand). Cytogenetic location: 4p16.3.
Variant type: single nucleotide variant.
Coding change: c.1366T>C on transcript NM_001122681.2 (MANE Select); coding-DNA position 1366, T replaced by C.
Protein change: p.Ser456Pro; replaces serine 456 with proline.
Molecular consequence: missense variant.
Genome position (GRCh38, 1-based): chr4:2,831,938, T>C. VCF-style: chr4-2831938-T-C. GRCh37 (hg19) VCF-style: chr4-2833665-T-C.
Other names: c.1450T>C, p.Ser484Pro (NM_001145855.2); c.1537T>C, p.Ser513Pro (NM_001145856.2); c.1366T>C, p.Ser456Pro (NM_003023.4); short protein forms S484P, S513P, S456P.
Identifiers: ClinVar variation 710843 (VCV000710843.17), dbSNP rs145949614, ClinGen allele CA2819495.
Genomic context (GRCh38, chr4:2,831,938, plus strand): 5'-GTGGATCACTCCGACGTTGGCACTGACACCGTCAGCCTCTTGCAGGTGCCACTGCCCAAC[T>C]CGGTCTTCGTCAACACCACGGAGTCCTGCGAAGTGGAAAGGTCAGCACAAAGCCCTGTGT-3'
Protein context (NP_001116153.1, residues 446-466): EDYEKVPLPN[Ser456Pro]VFVNTTESCE